The following is an entry in ClinVar:

ClinVar aggregate classification (germline): Uncertain significance. Review status: criteria provided, multiple submitters, no conflicts (2 of 4 stars). 2 submissions from 2 submitters: Uncertain significance (2). Last evaluated 2024-04-02.

Conditions:
Charcot-Marie-Tooth disease type 2. Also called: Charcot-Marie-Tooth type 2. Identifiers: Orphanet 64746, MedGen C0270914, MONDO:0018993.

Submissions (2):

Blueprint Genetics
Classification: Uncertain significance. Last evaluated: 2024-04-02. Review status: criteria provided, single submitter. Criteria: ACMG Guidelines, 2015. Collection method: clinical testing. Allele origin: germline.

Labcorp Genetics (formerly Invitae), Labcorp
Classification: Uncertain significance for Charcot-Marie-Tooth disease type 2. Last evaluated: 2020-06-17. Review status: criteria provided, single submitter. Criteria: Invitae Variant Classification Sherloc (09022015). Collection method: clinical testing. Allele origin: germline.
Comment: This variant has not been reported in the literature in individuals with LMNA-related conditions. This sequence change replaces aspartic acid with glycine at codon 205 of the LMNA protein (p.Asp205Gly). The aspartic acid residue is highly conserved and there is a moderate physicochemical difference between aspartic acid and glycine. This variant is not present in population databases (ExAC no frequency). Algorithms developed to predict the effect of missense changes on protein structure and function are either unavailable or do not agree on the potential impact of this missense change (SIFT: "Deleterious"; PolyPhen-2: "Benign"; Align-GVGD: "Class C15"). In summary, the available evidence is currently insufficient to determine the role of this variant in disease. Therefore, it has been classified as a Variant of Uncertain Significance.

NM_170707.4(LMNA):c.614A>G (p.Asp205Gly)

Gene: LMNA (lamin A/C; plus strand). Cytogenetic location: 1q22.
Variant type: single nucleotide variant.
Coding change: c.614A>G on transcript NM_170707.4 (MANE Select); coding-DNA position 614, A replaced by G.
Protein change: p.Asp205Gly; replaces aspartic acid 205 with glycine.
Molecular consequence: missense variant.
Genome position (GRCh38, 1-based): chr1:156,134,503, A>G. VCF-style: chr1-156134503-A-G. GRCh37 (hg19) VCF-style: chr1-156104294-A-G.
Other names: c.278A>G, p.Asp93Gly (NM_001257374.3); c.371A>G, p.Asp124Gly (NM_001282624.2); c.614A>G, p.Asp205Gly (NM_001282625.2, NM_001282626.2, NM_005572.4 and 1 more transcripts); short protein forms D124G, D205G, D93G.
Identifiers: ClinVar variation 1021085 (VCV001021085.9), dbSNP rs1651353565, ClinGen allele CA342817040.